The following is an entry in ClinVar:

ClinVar aggregate classification (germline): Uncertain significance. Review status: criteria provided, multiple submitters, no conflicts (2 of 4 stars). 3 submissions from 3 submitters: Uncertain significance (3). Last evaluated 2026-08-01.

Conditions:
Inborn genetic diseases. Identifiers: MedGen C0950123, MeSH D030342.

Allele frequency attached by ClinVar (database versions not stated): gnomAD 0.00001; gnomAD exomes 0.00001 and 0.00002; ExAC 0.00002; TOPMed 0.00002.
gnomAD v4.1: 14 of 1,613,484 alleles (0.00087%); highest among the groups gnomAD compares: Admixed American, 0.0033%; no homozygotes.

Submissions (3):

CeGaT Center for Human Genetics Tuebingen
Classification: Uncertain significance. Last evaluated: 2026-08-01. Review status: criteria provided, single submitter. Criteria: CeGaT Center For Human Genetics Tuebingen Variant Classification Criteria Version 2. Collection method: clinical testing. Allele origin: germline. Affected: yes. Observed: 1 variant allele.

Labcorp Genetics (formerly Invitae), Labcorp
Classification: Uncertain significance. Last evaluated: 2025-08-12. Review status: criteria provided, single submitter. Criteria: Invitae Variant Classification Sherloc (09022015). Collection method: clinical testing. Allele origin: germline.
Comment: This sequence change replaces histidine, which is basic and polar, with arginine, which is basic and polar, at codon 751 of the SCN3A protein (p.His751Arg). This variant is present in population databases (rs753117449, gnomAD 0.003%). This variant has not been reported in the literature in individuals affected with SCN3A-related conditions. ClinVar contains an entry for this variant (Variation ID: 646044). Invitae Evidence Modeling of protein sequence and biophysical properties (such as structural, functional, and spatial information, amino acid conservation, physicochemical variation, residue mobility, and thermodynamic stability) indicates that this missense variant is not expected to disrupt SCN3A protein function with a negative predictive value of 95%. In summary, the available evidence is currently insufficient to determine the role of this variant in disease. Therefore, it has been classified as a Variant of Uncertain Significance.

Ambry Genetics
Classification: Uncertain significance for Inborn genetic diseases. Last evaluated: 2024-12-04. Review status: criteria provided, single submitter. Criteria: Ambry Variant Classification Scheme 2023. Collection method: clinical testing. Allele origin: germline.

NM_006922.4(SCN3A):c.2252A>G (p.His751Arg)

Gene: SCN3A (sodium voltage-gated channel alpha subunit 3; minus strand). Cytogenetic location: 2q24.3.
Variant type: single nucleotide variant.
Coding change: c.2252A>G on transcript NM_006922.4 (MANE Select); coding-DNA position 2252, A replaced by G.
Protein change: p.His751Arg; replaces histidine 751 with arginine.
Molecular consequence: missense variant.
Genome position (GRCh38, 1-based): chr2:165,138,018, T>C on the plus strand (A>G on the coding strand, the complement: SCN3A is on the minus strand). VCF-style: chr2-165138018-T-C. GRCh37 (hg19) VCF-style: chr2-165994528-T-C.
Other names: c.2105A>G, p.His702Arg (NM_001081676.2, NM_001081677.2); short protein forms H751R, H702R.
Identifiers: ClinVar variation 646044 (VCV000646044.10), dbSNP rs753117449, ClinGen allele CA1938989.